The following is an entry in ClinVar:

NM_012398.3(PIP5K1C):c.900G>C (p.Lys300Asn)

Gene: PIP5K1C (phosphatidylinositol-4-phosphate 5-kinase type 1 gamma; minus strand). Cytogenetic location: 19p13.3.
Variant type: single nucleotide variant.
Coding change: c.900G>C on transcript NM_012398.3 (MANE Select); coding-DNA position 900, G replaced by C.
Protein change: p.Lys300Asn; replaces lysine 300 with asparagine.
Molecular consequence: missense variant.
Genome position (GRCh38, 1-based): chr19:3,653,311, C>G on the plus strand (G>C on the coding strand, the complement: PIP5K1C is on the minus strand). VCF-style: chr19-3653311-C-G. GRCh37 (hg19) VCF-style: chr19-3653309-C-G.
Other names: c.900G>C, p.Lys300Asn (NM_001195733.2, NM_001300849.2); short protein forms K300N.
Identifiers: ClinVar variation 3372483 (VCV003372483.1).
Genomic context (GRCh38, chr19:3,653,311, plus strand): 5'-CCTGCCACCCTCCCTCCCCGGCCGGGGCCGAGCCCTCACCAGGCAGTCCCGCTGCAGCGT[C>G]TTGACCAGGGCGCTGAAGGTGTCGGCGTCCAGCAGGAGCCCCTCGGGCATGTCCTGCATG-3'
Protein context (NP_036530.1, residues 290-310): LDADTFSALV[Lys300Asn]TLQRDCLVLE

ClinVar aggregate classification (germline): Uncertain significance (1 of 4 stars; one submission).

Submission:

GeneDx
Classification: Uncertain significance. Last evaluated: 2024-04-15. Review status: criteria provided, single submitter. Criteria: GeneDx Variant Classification Process June 2021. Collection method: clinical testing. Allele origin: germline. Affected: yes.
Comment: Not observed at significant frequency in large population cohorts (gnomAD); In silico analysis supports that this missense variant has a deleterious effect on protein structure/function; Has not been previously published as pathogenic or benign to our knowledge